The following is an entry in ClinVar:

ClinVar aggregate classification (germline): Uncertain significance (1 of 4 stars; one submission).

Conditions:
Charcot-Marie-Tooth disease type 4. Also called: Charcot-Marie-Tooth disease, type IV; Charcot-Marie-Tooth, Type 4. Identifiers: Orphanet 64749, MedGen C4082197, MONDO:0018995.

Allele frequency attached by ClinVar (database versions not stated): gnomAD exomes below 0.00001; TOPMed below 0.00001; gnomAD 0.00001.
gnomAD v4.1: 4 of 1,614,112 alleles (0.00025%); highest among the groups gnomAD compares: Non-Finnish European, 0.00034%; no homozygotes.

Submission:

Labcorp Genetics (formerly Invitae), Labcorp
Classification: Uncertain significance for Charcot-Marie-Tooth disease type 4. Last evaluated: 2021-11-30. Review status: criteria provided, single submitter. Criteria: Invitae Variant Classification Sherloc (09022015). Collection method: clinical testing. Allele origin: germline.
Comment: In summary, the available evidence is currently insufficient to determine the role of this variant in disease. Therefore, it has been classified as a Variant of Uncertain Significance. Algorithms developed to predict the effect of missense changes on protein structure and function output the following: SIFT: "Tolerated"; PolyPhen-2: "Benign"; Align-GVGD: "Class C0". The glycine amino acid residue is found in multiple mammalian species, which suggests that this missense change does not adversely affect protein function. ClinVar contains an entry for this variant (Variation ID: 848512). This sequence change replaces serine, which is neutral and polar, with glycine, which is neutral and non-polar, at codon 154 of the FGD4 protein (p.Ser154Gly). This variant has not been reported in the literature in individuals affected with FGD4-related conditions. This variant is not present in population databases (gnomAD no frequency).

NM_001370298.3(FGD4):c.871A>G (p.Ser291Gly)

Gene: FGD4 (FYVE, RhoGEF and PH domain containing 4; plus strand). Cytogenetic location: 12p11.21.
Variant type: single nucleotide variant.
Coding change: c.871A>G on transcript NM_001370298.3 (MANE Select); coding-DNA position 871, A replaced by G.
Protein change: p.Ser291Gly; replaces serine 291 with glycine.
Molecular consequence: missense variant. On other transcripts: 5 prime UTR variant (2), non-coding transcript variant (1), intron variant (1).
Genome position (GRCh38, 1-based): chr12:32,582,327, A>G. VCF-style: chr12-32582327-A-G. GRCh37 (hg19) VCF-style: chr12-32735261-A-G.
Other names: c.715A>G, p.Ser239Gly (NM_001304481.2); c.-385A>G (NM_001304483.2); c.-692A>G (NM_001304484.2); c.181A>G, p.Ser61Gly (NM_001330373.2, NM_001330374.2, NM_001384130.1); c.871A>G, p.Ser291Gly (NM_001384126.1); c.460A>G, p.Ser154Gly (NM_001384127.1, NM_001384128.1, NM_001384131.1 and 3 more transcripts); c.49-16170A>G (NM_001370297.1); short protein forms S154G, S239G, S61G, S291G.
Identifiers: ClinVar variation 848512 (VCV000848512.7), dbSNP rs1242400732, ClinGen allele CA384356304.